The following is an entry in ClinVar:

NM_000391.4(TPP1):c.1319G>C (p.Ser440Thr)

Gene: TPP1 (tripeptidyl peptidase 1; minus strand). Cytogenetic location: 11p15.4.
Variant type: single nucleotide variant.
Coding change: c.1319G>C on transcript NM_000391.4 (MANE Select); coding-DNA position 1319, G replaced by C.
Protein change: p.Ser440Thr; replaces serine 440 with threonine.
Molecular consequence: missense variant.
Genome position (GRCh38, 1-based): chr11:6,615,277, C>G on the plus strand (G>C on the coding strand, the complement: TPP1 is on the minus strand). VCF-style: chr11-6615277-C-G. GRCh37 (hg19) VCF-style: chr11-6636508-C-G.
Other names: short protein forms S440T.
Identifiers: ClinVar variation 1314473 (VCV001314473.2), dbSNP rs1855561762, ClinGen allele CA379472733.

ClinVar aggregate classification (germline): Uncertain significance (1 of 4 stars; one submission).

Submission:

GeneDx
Classification: Uncertain significance. Last evaluated: 2021-04-02. Review status: criteria provided, single submitter. Criteria: GeneDx Variant Classification Process June 2021. Collection method: clinical testing. Allele origin: germline. Affected: yes.
Comment: Not observed in large population cohorts (Lek et al., 2016); In silico analysis supports that this missense variant does not alter protein structure/function; Has not been previously published as pathogenic or benign to our knowledge